The following is an entry in ClinVar:

NM_004006.3(DMD):c.10888C>T (p.Arg3630Ter)

Gene: DMD (dystrophin; minus strand). Cytogenetic location: Xp21.2.
Variant type: single nucleotide variant.
Coding change: c.10888C>T on transcript NM_004006.3 (MANE Select); coding-DNA position 10888, C replaced by T.
Protein change: p.Arg3630Ter; replaces arginine 3630 with a stop codon.
Molecular consequence: nonsense.
Genome position (GRCh38, 1-based): chrX:31,146,324, G>A on the plus strand (C>T on the coding strand, the complement: DMD is on the minus strand). VCF-style: chrX-31146324-G-A. GRCh37 (hg19) VCF-style: chrX-31164441-G-A.
Other names: c.10864C>T, p.Arg3622Ter (NM_000109.4); c.10876C>T, p.Arg3626Ter (NM_004009.3); c.10519C>T, p.Arg3507Ter (NM_004010.3); c.6865C>T, p.Arg2289Ter (NM_004011.4); c.6856C>T, p.Arg2286Ter (NM_004012.4); c.3508C>T, p.Arg1170Ter (NM_004013.3, NM_004021.3); c.2701C>T, p.Arg901Ter (NM_004014.3); c.1684C>T, p.Arg562Ter (NM_004015.3, NM_004016.3); and 3 more; short protein forms R1060*, R1157*, R1170*, R2286*, R2289*, R3507*, R3622*, R3626*.
Identifiers: ClinVar variation 4815297 (VCV004815297.2).

ClinVar aggregate classification (germline): Pathogenic/Likely pathogenic. Review status: criteria provided, multiple submitters, no conflicts (2 of 4 stars). 2 submissions from 2 submitters: Pathogenic (1); Likely pathogenic (1). Last evaluated 2024-03-12.

Conditions:
Becker muscular dystrophy, Cardiomyopathy, Duchenne muscular dystrophy, Dystrophin deficiency.
Duchenne muscular dystrophy (DMD). Also called: MUSCULAR DYSTROPHY, PSEUDOHYPERTROPHIC PROGRESSIVE, DUCHENNE TYPE; Duchenne Muscular Dystrophy (DMD). Identifiers: Orphanet 98896, MedGen C0013264, MONDO:0010679, OMIM 310200.

Submissions (2):

Natera, Inc.
Classification: Likely pathogenic for Becker muscular dystrophy, Cardiomyopathy, Duchenne muscular dystrophy, Dystrophin deficiency. Last evaluated: 2024-03-12. Review status: criteria provided, single submitter. Criteria: Natera Variant Classification Schema (03/2026). Collection method: clinical testing. Allele origin: germline.
Comment: The c.10888C>T variant in DMD is a nonsense variant predicted to introduce a stop codon at amino acid 3630. This variant is expected to result in nonsense mediated decay, truncation, or a dysfunctional protein product. This variant is rare in the general population with a frequency below the threshold expected for the associated phenotype(s). Given the available evidence, this variant is classified as Likely Pathogenic.

Clinical Genetics Service, Universitary Hospital 12 de Octubre
Classification: Pathogenic for Duchenne muscular dystrophy. Review status: criteria provided, single submitter. Criteria: ACMG Guidelines, 2015. Collection method: clinical testing. Allele origin: germline. Affected: yes.